The following is an entry in ClinVar:

NM_006915.3(RP2):c.700G>T (p.Glu234Ter)

Gene: RP2 (RP2 activator of ARL3 GTPase; plus strand). Cytogenetic location: Xp11.3.
Variant type: single nucleotide variant.
Coding change: c.700G>T on transcript NM_006915.3 (MANE Select); coding-DNA position 700, G replaced by T.
Protein change: p.Glu234Ter; replaces glutamic acid 234 with a stop codon.
Molecular consequence: nonsense.
Genome position (GRCh38, 1-based): chrX:46,854,073, G>T. VCF-style: chrX-46854073-G-T. GRCh37 (hg19) VCF-style: chrX-46713508-G-T.
Other names: short protein forms E234*.
Identifiers: ClinVar variation 1073571 (VCV001073571.8), dbSNP rs2147081558, ClinGen allele CA413040521.

ClinVar aggregate classification (germline): Pathogenic/Likely pathogenic. Review status: criteria provided, multiple submitters, no conflicts (2 of 4 stars). 2 submissions from 2 submitters: Pathogenic (1); Likely pathogenic (1). Last evaluated 2022-01-07.

Conditions:
RP2-related disorder. Also called: RP2-related condition.

Submissions (2):

Blueprint Genetics
Classification: Likely pathogenic for RP2-related disorders. Last evaluated: 2022-01-07. Review status: criteria provided, single submitter. Criteria: ACMG Guidelines, 2015. Collection method: clinical testing. Allele origin: germline. Affected: yes. Observed: 3 variant alleles.

Labcorp Genetics (formerly Invitae), Labcorp
Classification: Pathogenic. Last evaluated: 2020-09-18. Review status: criteria provided, single submitter. Criteria: Invitae Variant Classification Sherloc (09022015). Collection method: clinical testing. Allele origin: germline.
Comment: This variant has not been reported in the literature in individuals with RP2-related conditions. For these reasons, this variant has been classified as Pathogenic. Loss-of-function variants in RP2 are known to be pathogenic (PMID: 11992260, 20625056). This variant is not present in population databases (ExAC no frequency). This sequence change creates a premature translational stop signal (p.Glu234*) in the RP2 gene. It is expected to result in an absent or disrupted protein product.

Literature cited by the submitters: PubMed 11992260 (cited by Labcorp Genetics (formerly Invitae), Labcorp); PubMed 20625056 (cited by Labcorp Genetics (formerly Invitae), Labcorp).